The following is an entry in ClinVar:

NM_001318852.2(MAPK8IP3):c.66C>G (p.Gly22=)

Gene: MAPK8IP3 (mitogen-activated protein kinase 8 interacting protein 3; plus strand). Cytogenetic location: 16p13.3.
Variant type: single nucleotide variant.
Coding change: c.66C>G on transcript NM_001318852.2 (MANE Select); coding-DNA position 66, C replaced by G.
Protein change: p.Gly22=; no amino-acid change (glycine 22 retained).
Molecular consequence: synonymous variant.
Genome position (GRCh38, 1-based): chr16:1,706,405, C>G. VCF-style: chr16-1706405-C-G. GRCh37 (hg19) VCF-style: chr16-1756406-C-G.
Other names: c.66C>G, p.Gly22= (NM_001040439.2, NM_015133.5).
Identifiers: ClinVar variation 3778021 (VCV003778021.7).
Genomic context (GRCh38, chr16:1,706,405, plus strand): 5'-GGAGATCCAGATGGACGAGGGCGGCGGCGTGGTGGTGTACCAGGACGACTACTGCTCCGG[C>G]TCGGTGATGTCGGAGCGGGTGTCGGGCCTGGCGGGCTCCATCTACCGCGAGTTCGAGCGC-3'
Protein context (NP_001305781.1, residues 12-32): VVVYQDDYCS[Gly22=]SVMSERVSGL

ClinVar aggregate classification (germline): Likely benign (1 of 4 stars; one submission).

gnomAD v4.1: 227 of 1,613,472 alleles (0.014%); highest among the groups gnomAD compares: Admixed American, 0.027%; 1 homozygote.

Submission:

CeGaT Center for Human Genetics Tuebingen
Classification: Likely benign. Last evaluated: 2026-09-01. Review status: criteria provided, single submitter. Criteria: CeGaT Center For Human Genetics Tuebingen Variant Classification Criteria Version 2. Collection method: clinical testing. Allele origin: germline. Affected: yes. Observed: 4 variant alleles.
Comment: MAPK8IP3: BP4, BP7